The following is an entry in ClinVar:

ClinVar aggregate classification (germline): Pathogenic (1 of 4 stars; one submission).

Conditions:
Mosaic variegated aneuploidy syndrome 1 (MVA1). Also called: Warburton-Anyane-Yeboa syndrome. Identifiers: Orphanet 1052, MedGen C1850343, MONDO:0009759, OMIM 257300.

Submission:

Labcorp Genetics (formerly Invitae), Labcorp
Classification: Pathogenic for Mosaic variegated aneuploidy syndrome 1. Last evaluated: 2024-04-27. Review status: criteria provided, single submitter. Criteria: Invitae Variant Classification Sherloc (09022015). Collection method: clinical testing. Allele origin: germline.
Comment: This sequence change creates a premature translational stop signal (p.Ser191Tyrfs*40) in the BUB1B gene. It is expected to result in an absent or disrupted protein product. Loss-of-function variants in BUB1B are known to be pathogenic (PMID: 15475955, 21190457). This variant is not present in population databases (gnomAD no frequency). This variant has not been reported in the literature in individuals affected with BUB1B-related conditions. For these reasons, this variant has been classified as Pathogenic.

Literature cited by the submitters: PubMed 15475955; PubMed 21190457.

NM_001211.6(BUB1B):c.564_571dup (p.Ser191fs)

Gene: BUB1B (BUB1 mitotic checkpoint serine/threonine kinase B; plus strand). Cytogenetic location: 15q15.1.
Variant type: Duplication.
Coding change: c.564_571dup on transcript NM_001211.6 (MANE Select); coding-DNA positions 564 to 571, 8 bases duplicated (ACTACAGT; older notation c.564_571dupACTACAGT).
Protein change: p.Ser191fs; shifts the reading frame from serine 191.
Molecular consequence: frameshift variant.
Genome position (GRCh38, 1-based): chr15:40,176,656-40,176,663, ACTACAGT duplicated. VCF-style (leftmost placement, unchanged base first): chr15-40176655-G-GACTACAGT. GRCh37 (hg19) VCF-style: chr15-40468856-G-GACTACAGT.
Other names: short protein forms S191fs.
Identifiers: ClinVar variation 3608325 (VCV003608325.2).